The following is an entry in ClinVar:

NM_001365613.2(RRBP1):c.1995C>T (p.Gly665=)

Gene: RRBP1 (ribosome binding protein 1; minus strand). Cytogenetic location: 20p12.1.
Variant type: single nucleotide variant.
Coding change: c.1995C>T on transcript NM_001365613.2 (MANE Select); coding-DNA position 1995, C replaced by T.
Protein change: p.Gly665=; no amino-acid change (glycine 665 retained).
Molecular consequence: synonymous variant.
Genome position (GRCh38, 1-based): chr20:17,643,045, G>A on the plus strand (C>T on the coding strand, the complement: RRBP1 is on the minus strand). VCF-style: chr20-17643045-G-A. GRCh37 (hg19) VCF-style: chr20-17623690-G-A.
Other names: c.696C>T, p.Gly232= (NM_001042576.2, NM_004587.3).
Identifiers: ClinVar variation 3898410 (VCV003898410.7).

ClinVar aggregate classification (germline): Likely benign (1 of 4 stars; one submission).

gnomAD v4.1: 41 of 1,614,054 alleles (0.0025%); highest among the groups gnomAD compares: Middle Eastern, 0.033%; no homozygotes.

Submission:

CeGaT Center for Human Genetics Tuebingen
Classification: Likely benign. Last evaluated: 2025-04-01. Review status: criteria provided, single submitter. Criteria: CeGaT Center For Human Genetics Tuebingen Variant Classification Criteria Version 2. Collection method: clinical testing. Allele origin: germline. Affected: yes. Observed: 1 variant allele.
Comment: RRBP1: BP4, BP7